The following is an entry in ClinVar:

ClinVar aggregate classification (germline): Uncertain significance (1 of 4 stars; one submission).

gnomAD v4.1: 3 of 1,612,422 alleles (0.00019%); highest among the groups gnomAD compares: East Asian, 0.0067%; no homozygotes.

Submission:

Labcorp Genetics (formerly Invitae), Labcorp
Classification: Uncertain significance. Last evaluated: 2023-08-11. Review status: criteria provided, single submitter. Criteria: Invitae Variant Classification Sherloc (09022015). Collection method: clinical testing. Allele origin: germline.
Comment: In summary, the available evidence is currently insufficient to determine the role of this variant in disease. Therefore, it has been classified as a Variant of Uncertain Significance. Variants that disrupt the consensus splice site are a relatively common cause of aberrant splicing (PMID: 17576681, 9536098). Algorithms developed to predict the effect of sequence changes on RNA splicing suggest that this variant is not likely to affect RNA splicing. This variant has not been reported in the literature in individuals affected with BMP1-related conditions. This variant is not present in population databases (gnomAD no frequency). This sequence change falls in intron 8 of the BMP1 gene. It does not directly change the encoded amino acid sequence of the BMP1 protein. It affects a nucleotide within the consensus splice site.

Literature cited by the submitters: PubMed 17576681; PubMed 9536098.

NM_006129.5(BMP1):c.1077+4C>A

Gene: BMP1 (bone morphogenetic protein 1; plus strand). Cytogenetic location: 8p21.3.
Variant type: single nucleotide variant.
Coding change: c.1077+4C>A on transcript NM_006129.5 (MANE Select); 4 bases into the intron after coding-DNA position 1077, C replaced by A.
Molecular consequence: intron variant.
Genome position (GRCh38, 1-based): chr8:22,180,487, C>A. VCF-style: chr8-22180487-C-A. GRCh37 (hg19) VCF-style: chr8-22038000-C-A.
Other names: c.1077+4C>A (NM_001199.4).
Identifiers: ClinVar variation 2896618 (VCV002896618.3), dbSNP rs778155776, ClinGen allele CA1770255322.